The following is an entry in ClinVar:

ClinVar aggregate classification (germline): Likely benign. Review status: criteria provided, multiple submitters, no conflicts (2 of 4 stars). 2 submissions from 2 submitters: Likely benign (2). Last evaluated 2026-04-20.

Allele frequency attached by ClinVar (database versions not stated): gnomAD 0.00001; gnomAD exomes 0.00001; TOPMed 0.00001.
gnomAD v4.1: 22 of 1,612,422 alleles (0.0014%); highest among the groups gnomAD compares: Admixed American, 0.0083%; no homozygotes.

Submissions (2):

Women's Health and Genetics/Laboratory Corporation of America, LabCorp
Classification: Likely benign. Last evaluated: 2026-04-20. Review status: criteria provided, single submitter. Criteria: LabCorp Variant Classification Summary - May 2015. Collection method: clinical testing. Allele origin: germline.
Comment: Variant summary: MYH3 c.2048-14G>A alters a nucleotide located at a position not widely known to affect splicing. Consensus agreement among computation tools predict no significant impact on normal splicing. However, these predictions have yet to be confirmed by functional studies. The variant allele was found at a frequency of 2.4e-05 in 251484 control chromosomes. The available data on variant occurrences in the general population are insufficient to allow any conclusion about variant significance. To our knowledge, no occurrence of c.2048-14G>A in individuals affected with MYH3-related conditions and no experimental evidence demonstrating its impact on protein function have been reported. ClinVar contains an entry for this variant (Variation ID: 2712492). Based on the evidence outlined above, the variant was classified as likely benign.

Labcorp Genetics (formerly Invitae), Labcorp
Classification: Likely benign. Last evaluated: 2023-03-30. Review status: criteria provided, single submitter. Criteria: Invitae Variant Classification Sherloc (09022015). Collection method: clinical testing. Allele origin: germline.

NM_002470.4(MYH3):c.2048-14G>A

Gene: MYH3 (myosin heavy chain 3; minus strand). Cytogenetic location: 17p13.1.
Variant type: single nucleotide variant.
Coding change: c.2048-14G>A on transcript NM_002470.4 (MANE Select); 14 bases into the intron before coding-DNA position 2048, G replaced by A.
Molecular consequence: intron variant.
Genome position (GRCh38, 1-based): chr17:10,641,216, C>T on the plus strand (G>A on the coding strand, the complement: MYH3 is on the minus strand). VCF-style: chr17-10641216-C-T. GRCh37 (hg19) VCF-style: chr17-10544533-C-T.
Identifiers: ClinVar variation 2712492 (VCV002712492.4), dbSNP rs1181604658, ClinGen allele CA624888005.